The following is an entry in ClinVar:

NM_032228.6(FAR1):c.-7-2A>G

Gene: FAR1 (fatty acyl-CoA reductase 1; plus strand). Cytogenetic location: 11p15.3.
Variant type: single nucleotide variant.
Coding change: c.-7-2A>G on transcript NM_032228.6 (MANE Select); the canonical splice acceptor site of the intron before 7 bases upstream of the start codon, A replaced by G.
Molecular consequence: splice acceptor variant.
Genome position (GRCh38, 1-based): chr11:13,694,757, A>G. VCF-style: chr11-13694757-A-G. GRCh37 (hg19) VCF-style: chr11-13716304-A-G.
Other names: c.-7-2A>G (NM_001441243.1, NM_001441247.1, NM_001441244.1 and 6 more transcripts).
Identifiers: ClinVar variation 4851552 (VCV004851552.2).
Genomic context (GRCh38, chr11:13,694,757, plus strand): 5'-TTTAGTATGAAAGAATGATGGTGAATCCTTAAACTAATGCTTATTTGCCATGTTTTTCTT[A>G]GGATCAAAATGGTTTCAATCCCAGAATACTATGAAGGCAAGAACGTCCTCCTCACAGGAG-3'

ClinVar aggregate classification (germline): Likely pathogenic. Review status: criteria provided, multiple submitters, no conflicts (2 of 4 stars). 2 submissions from 2 submitters: Likely pathogenic (2). Last evaluated 2026-05-23.

Conditions:
Fatty acyl-CoA reductase 1 deficiency. Also called: Peroxisomal fatty acyl-coa reductase 1 disorder. Identifiers: Orphanet 438178, MedGen C4015344, MONDO:0014510, OMIM 616154.

Submissions (2):

Department of Molecular Genetics, Istishari Arab Hospital
Classification: Likely pathogenic for Fatty acyl-CoA reductase 1 deficiency. Last evaluated: 2026-05-23. Review status: criteria provided, single submitter. Criteria: ACMG Guidelines, 2015. Collection method: clinical testing. Allele origin: germline. Inheritance: Autosomal recessive inheritance. Affected: yes.
Comment: The FAR1 variant c.-7-2A>G is predicted to alter splicing and result in a loss or disruption of normal protein function. To the best of our knowledge, this variant has not been previously reported in literature. It is classified as likely pathogenic according to the recommendations of ACMG/AMP/ClinGen SVI guidelines.

3billion
Classification: Likely pathogenic for Fatty acyl-CoA reductase 1 deficiency. Last evaluated: 2025-05-30. Review status: criteria provided, single submitter. Criteria: ACMG Guidelines, 2015. Collection method: clinical testing. Allele origin: germline. Affected: yes.
Comment: The variant is not observed in the gnomAD v4.1.0 dataset. Predicted Consequence/Location: Canonical splice site: predicted to alter splicing and result in a loss or disruption of normal protein function. Multiple pathogenic loss-of-function variants are reported downstream of the variant. In silico tools predict the variant to alter splicing and produce an abnormal transcript [SpliceAI: 1.00 (spliceogenicity >=0.2, non-spliceogenicity <0.1)]. Therefore, this variant is classified as Likely pathogenic according to the recommendation of ACMG/AMP guideline.